The following is an entry in ClinVar:

ClinVar aggregate classification (germline): Uncertain significance (1 of 4 stars; one submission).

Submission:

GeneDx
Classification: Uncertain significance. Last evaluated: 2019-06-26. Review status: criteria provided, single submitter. Criteria: GeneDx Variant Classification Process June 2021. Collection method: clinical testing. Allele origin: germline. Affected: yes.
Comment: Not observed in large population cohorts (Lek et al., 2016); In silico analysis, which includes protein predictors and evolutionary conservation, supports that this variant does not alter protein structure/function; Has not been previously published as pathogenic or benign to our knowledge

NM_006766.5(KAT6A):c.5966C>G (p.Ala1989Gly)

Gene: KAT6A (lysine acetyltransferase 6A; minus strand). Cytogenetic location: 8p11.21.
Variant type: single nucleotide variant.
Coding change: c.5966C>G on transcript NM_006766.5 (MANE Select); coding-DNA position 5966, C replaced by G.
Protein change: p.Ala1989Gly; replaces alanine 1989 with glycine.
Molecular consequence: missense variant.
Genome position (GRCh38, 1-based): chr8:41,932,254, G>C on the plus strand (C>G on the coding strand, the complement: KAT6A is on the minus strand). VCF-style: chr8-41932254-G-C. GRCh37 (hg19) VCF-style: chr8-41789772-G-C.
Other names: short protein forms A1989G.
Identifiers: ClinVar variation 1306757 (VCV001306757.2), dbSNP rs2150854430, ClinGen allele CA371059914.